The following is an entry in ClinVar:

NM_001322934.2(NFKB2):c.767-6_767-5del

Gene: NFKB2 (nuclear factor kappa B subunit 2; plus strand). Cytogenetic location: 10q24.32.
Variant type: Deletion.
Coding change: c.767-6_767-5del on transcript NM_001322934.2 (MANE Select); 6 bases into the intron before coding-DNA position 767 through 5 bases into the intron before coding-DNA position 767, 2 bases deleted (TT; older notation c.767-6_767-5delTT).
Molecular consequence: intron variant.
Genome position (GRCh38, 1-based): chr10:102,398,206-102,398,207, TT deleted. VCF-style (leftmost placement, unchanged base first): chr10-102398205-CTT-C. GRCh37 (hg19) VCF-style: chr10-104157962-CTT-C.
Other names: c.767-6_767-5del (NM_001288724.1, NM_001322935.1, NM_001077494.3 and 2 more transcripts).
Identifiers: ClinVar variation 4728071 (VCV004728071.1).

ClinVar aggregate classification (germline): Uncertain significance (1 of 4 stars; one submission).

Conditions:
Immunodeficiency, common variable, 10. Also called: IMMUNODEFICIENCY, COMMON VARIABLE, WITH CENTRAL ADRENAL INSUFFICIENCY; DEFICIT IN ANTERIOR PITUITARY FUNCTION AND VARIABLE IMMUNODEFICIENCY. Identifiers: MedGen C3809991, MONDO:0014260, OMIM 615577.

Submission:

Labcorp Genetics (formerly Invitae), Labcorp
Classification: Uncertain significance for Immunodeficiency, common variable, 10. Last evaluated: 2025-10-03. Review status: criteria provided, single submitter. Criteria: Invitae Variant Classification Sherloc (09022015). Collection method: clinical testing. Allele origin: germline.
Comment: This sequence change falls in intron 9 of the NFKB2 gene. It does not directly change the encoded amino acid sequence of the NFKB2 protein. This variant is not present in population databases (gnomAD no frequency). This variant has not been reported in the literature in individuals affected with NFKB2-related conditions. Algorithms developed to predict the effect of sequence changes on RNA splicing suggest that this variant may disrupt the consensus splice site. In summary, the available evidence is currently insufficient to determine the role of this variant in disease. Therefore, it has been classified as a Variant of Uncertain Significance.